The following is an entry in ClinVar:

ClinVar aggregate classification (germline): Uncertain significance. Review status: criteria provided, multiple submitters, no conflicts (2 of 4 stars). 2 submissions from 2 submitters: Uncertain significance (2). Last evaluated 2023-09-05.

Conditions:
Neuromuscular disease caused by qualitative or quantitative defects of dysferlin. Also called: Qualitative or quantitative defects of dysferlin; Dysferlinopathy. Identifiers: Orphanet 207073, MedGen C2931687, MONDO:0016145.

Submissions (2):

Revvity Omics, Revvity
Classification: Uncertain significance. Last evaluated: 2023-09-05. Review status: criteria provided, single submitter. Criteria: ACMG Guidelines, 2015. Collection method: clinical testing. Allele origin: germline.

Labcorp Genetics (formerly Invitae), Labcorp
Classification: Uncertain significance for Neuromuscular disease caused by qualitative or quantitative defects of dysferlin. Last evaluated: 2022-07-05. Review status: criteria provided, single submitter. Criteria: Invitae Variant Classification Sherloc (09022015). Collection method: clinical testing. Allele origin: germline.
Comment: In summary, the available evidence is currently insufficient to determine the role of this variant in disease. Therefore, it has been classified as a Variant of Uncertain Significance. Advanced modeling of protein sequence and biophysical properties (such as structural, functional, and spatial information, amino acid conservation, physicochemical variation, residue mobility, and thermodynamic stability) performed at Invitae indicates that this missense variant is not expected to disrupt DYSF protein function. ClinVar contains an entry for this variant (Variation ID: 1362455). This variant has not been reported in the literature in individuals affected with DYSF-related conditions. This variant is not present in population databases (gnomAD no frequency). This sequence change replaces aspartic acid, which is acidic and polar, with asparagine, which is neutral and polar, at codon 1777 of the DYSF protein (p.Asp1777Asn).

NM_001130987.2(DYSF):c.5446G>A (p.Asp1816Asn)

Gene: DYSF (dysferlin; plus strand). Cytogenetic location: 2p13.2.
Variant type: single nucleotide variant.
Coding change: c.5446G>A on transcript NM_001130987.2 (MANE Select); coding-DNA position 5446, G replaced by A.
Protein change: p.Asp1816Asn; replaces aspartic acid 1816 with asparagine.
Molecular consequence: missense variant.
Genome position (GRCh38, 1-based): chr2:71,667,504, G>A. VCF-style: chr2-71667504-G-A. GRCh37 (hg19) VCF-style: chr2-71894634-G-A.
Other names: c.5332G>A, p.Asp1778Asn (NM_001130455.2); c.5287G>A, p.Asp1763Asn (NM_001130976.2); c.5350G>A, p.Asp1784Asn (NM_001130977.2); c.5392G>A, p.Asp1798Asn (NM_001130978.2); c.5422G>A, p.Asp1808Asn (NM_001130979.2); c.5380G>A, p.Asp1794Asn (NM_001130980.2); c.5443G>A, p.Asp1815Asn (NM_001130981.2); c.5425G>A, p.Asp1809Asn (NM_001130982.2); and 5 more; short protein forms D1763N, D1778N, D1764N, D1784N, D1785N, D1794N, D1798N, D1808N.
Identifiers: ClinVar variation 1362455 (VCV001362455.9), dbSNP rs2152954089, ClinGen allele CA347221490.
Genomic context (GRCh38, chr2:71,667,504, plus strand): 5'-CAGCAGGGCCTGGTCCCGGAGCACGTGGAGTCACGGCCCCTCTACAGCCCCCTGCAGCCA[G>A]ACATCGAGCAGGTAGGACCTTGACCCTTGGGTCCCAGAGTCCTCGAACTCCAGAAAGCCC-3'
Protein context (NP_001124459.1, residues 1806-1826): SRPLYSPLQP[Asp1816Asn]IEQGKLQMWV